The following is an entry in ClinVar:

NM_000492.4(CFTR):c.1300T>C (p.Ser434Pro)

Genes: CFTR (CF transmembrane conductance regulator; plus strand), CFTR-AS1 (CFTR antisense RNA 1; minus strand). Cytogenetic location: 7q31.2.
Variant type: single nucleotide variant.
Coding change: c.1300T>C on transcript NM_000492.4 (MANE Select); coding-DNA position 1300, T replaced by C.
Protein change: p.Ser434Pro; replaces serine 434 with proline.
Molecular consequence: missense variant.
Genome position (GRCh38, 1-based): chr7:117,548,731, T>C. VCF-style: chr7-117548731-T-C. GRCh37 (hg19) VCF-style: chr7-117188785-T-C.
Other names: short protein forms S434P.
Identifiers: ClinVar variation 928494 (VCV000928494.1), dbSNP rs1799212931, ClinGen allele CA368981812.

ClinVar aggregate classification (germline): Uncertain significance (1 of 4 stars; one submission).

Submission:

Women's Health and Genetics/Laboratory Corporation of America, LabCorp
Classification: Uncertain significance. Last evaluated: 2019-02-21. Review status: criteria provided, single submitter. Criteria: LabCorp Variant Classification Summary - May 2015. Collection method: clinical testing. Allele origin: germline.
Comment: Variant summary: CFTR c.1300T>C (p.Ser434Pro) results in a non-conservative amino acid change located in the ATPase domain (IPR003593) of the encoded protein sequence. Three of five in-silico tools predict a benign effect of the variant on protein function. The variant was absent in 240718 control chromosomes (gnomAD). The available data on variant occurrences in the general population are insufficient to allow any conclusion about variant significance. To our knowledge, no occurrence of c.1300T>C in individuals affected with Cystic Fibrosis and no experimental evidence demonstrating its impact on protein function have been reported. No clinical diagnostic laboratories have submitted clinical-significance assessments for this variant to ClinVar after 2014. Based on the evidence outlined above, the variant was classified as uncertain significance.